The following is an entry in ClinVar:

ClinVar aggregate classification (germline): Likely benign. Review status: criteria provided, multiple submitters, no conflicts (2 of 4 stars). 3 submissions from 3 submitters: Likely benign (3). Last evaluated 2025-11-15.

Conditions:
Nemaline myopathy 5 (NEM5A). Also called: NEMALINE MYOPATHY 5A, AUTOSOMAL RECESSIVE, SEVERE INFANTILE; Nemaline myopathy 5, Amish type; NEMALINE MYOPATHY, AMISH TYPE. Identifiers: Orphanet 98902, MedGen C1854380, MONDO:0011539, OMIM 605355.

Allele frequency attached by ClinVar (database versions not stated): gnomAD exomes 0.00008; TOPMed 0.00016; gnomAD 0.00018.
gnomAD v4.1: 117 of 1,119,612 alleles (0.01%); highest among the groups gnomAD compares: Non-Finnish European, 0.0098%; no homozygotes.

Submissions (3):

Labcorp Genetics (formerly Invitae), Labcorp
Classification: Likely benign for Nemaline myopathy 5. Last evaluated: 2025-11-15. Review status: criteria provided, single submitter. Criteria: Invitae Variant Classification Sherloc (09022015). Collection method: clinical testing. Allele origin: germline.

Blueprint Genetics
Classification: Likely benign. Last evaluated: 2023-12-14. Review status: criteria provided, single submitter. Criteria: ACMG Guidelines, 2015. Collection method: clinical testing. Allele origin: germline.

CeGaT Center for Human Genetics Tuebingen
Classification: Likely benign. Last evaluated: 2022-12-01. Review status: criteria provided, single submitter. Criteria: CeGaT Center For Human Genetics Tuebingen Variant Classification Criteria Version 2. Collection method: clinical testing. Allele origin: germline. Affected: yes. Observed: 3 variant alleles.
Comment: TNNT1: BP4, BP7

NM_003283.6(TNNT1):c.87G>A (p.Pro29=)

Gene: TNNT1 (troponin T1, slow skeletal type; minus strand). Cytogenetic location: 19q13.42.
Variant type: single nucleotide variant.
Coding change: c.87G>A on transcript NM_003283.6 (MANE Select); coding-DNA position 87, G replaced by A.
Protein change: p.Pro29=; no amino-acid change (proline 29 retained).
Molecular consequence: synonymous variant. On other transcripts: intron variant (2).
Genome position (GRCh38, 1-based): chr19:55,146,453, C>T on the plus strand (G>A on the coding strand, the complement: TNNT1 is on the minus strand). VCF-style: chr19-55146453-C-T. GRCh37 (hg19) VCF-style: chr19-55657821-C-T.
Other names: c.87G>A, p.Pro29= (NM_001126132.3); c.73+228G>A (NM_001126133.3, NM_001291774.2).
Identifiers: ClinVar variation 703973 (VCV000703973.40), dbSNP rs930840597, ClinGen allele CA310139293.